The following is an entry in ClinVar:

NM_007254.4(PNKP):c.1412A>T (p.His471Leu)

Gene: PNKP (polynucleotide kinase 3'-phosphatase; minus strand). Cytogenetic location: 19q13.33.
Variant type: single nucleotide variant.
Coding change: c.1412A>T on transcript NM_007254.4 (MANE Select); coding-DNA position 1412, A replaced by T.
Protein change: p.His471Leu; replaces histidine 471 with leucine.
Molecular consequence: missense variant.
Genome position (GRCh38, 1-based): chr19:49,861,485, T>A on the plus strand (A>T on the coding strand, the complement: PNKP is on the minus strand). VCF-style: chr19-49861485-T-A. GRCh37 (hg19) VCF-style: chr19-50364742-T-A.
Other names: p.H471L:CAT>CTT; short protein forms H471L.
Identifiers: ClinVar variation 206416 (VCV000206416.18), dbSNP rs142032281, ClinGen allele CA316509.

ClinVar aggregate classification (germline): Uncertain significance. Review status: criteria provided, multiple submitters, no conflicts (2 of 4 stars). 5 submissions from 5 submitters: Uncertain significance (5). Last evaluated 2026-01-22.

Conditions:
Inborn genetic diseases. Identifiers: MedGen C0950123, MeSH D030342.
Developmental and epileptic encephalopathy, 12 (DEE12). Identifiers: MedGen C3150988, MONDO:0013389, OMIM 613722.

Allele frequency attached by ClinVar (database versions not stated): ExAC 0.00008; gnomAD exomes 0.00012; ESP Exome Variant Server 0.00015; gnomAD 0.00015 and 0.00016; TOPMed 0.00015; 1000 Genomes Project 30x 0.00016; 1000 Genomes Project 0.00020.
gnomAD v4.1: 252 of 1,608,048 alleles (0.016%); highest among the groups gnomAD compares: South Asian, 0.037%; no homozygotes.

Submissions (7):

GeneDx
Classification: Uncertain significance. Last evaluated: 2026-01-22. Review status: criteria provided, single submitter. Criteria: GeneDx Variant Classification Process June 2021. Collection method: clinical testing. Allele origin: germline. Affected: yes.
Comment: In silico analysis supports that this missense variant has a deleterious effect on protein structure/function; Has not been previously published as pathogenic or benign to our knowledge; In silico analysis suggests this variant may impact gene splicing. In the absence of RNA/functional studies, the actual effect of this sequence change is unknown.; This variant is associated with the following publications: (PMID: 22508754)

Ambry Genetics
Classification: Uncertain significance for Inborn genetic diseases. Last evaluated: 2025-03-24. Review status: criteria provided, single submitter. Criteria: Ambry Variant Classification Scheme 2023. Collection method: clinical testing. Allele origin: germline.

Labcorp Genetics (formerly Invitae), Labcorp
Classification: Uncertain significance for Developmental and epileptic encephalopathy, 12. Last evaluated: 2025-01-15. Review status: criteria provided, single submitter. Criteria: Invitae Variant Classification Sherloc (09022015). Collection method: clinical testing. Allele origin: germline.
Comment: This sequence change replaces histidine, which is basic and polar, with leucine, which is neutral and non-polar, at codon 471 of the PNKP protein (p.His471Leu). This variant is present in population databases (rs142032281, gnomAD 0.03%). This variant has not been reported in the literature in individuals affected with PNKP-related conditions. ClinVar contains an entry for this variant (Variation ID: 206416). Invitae Evidence Modeling of protein sequence and biophysical properties (such as structural, functional, and spatial information, amino acid conservation, physicochemical variation, residue mobility, and thermodynamic stability) indicates that this missense variant is expected to disrupt PNKP protein function with a positive predictive value of 80%. In summary, the available evidence is currently insufficient to determine the role of this variant in disease. Therefore, it has been classified as a Variant of Uncertain Significance.

Blueprint Genetics
Classification: Uncertain significance. Last evaluated: 2024-07-17. Review status: criteria provided, single submitter. Criteria: ACMG Guidelines, 2015. Collection method: clinical testing. Allele origin: germline.

Revvity Omics, Revvity
Classification: Uncertain significance. Last evaluated: 2023-11-01. Review status: criteria provided, single submitter. Criteria: ACMG Guidelines, 2015. Collection method: clinical testing. Allele origin: germline.

Dr. Peter K. Rogan Lab, Western University
No classification provided (evidence only). Condition: Melanoma. Review status: no classification provided. Collection method: in vitro. Allele origin: not applicable. Functional consequence: retained intron. Not counted in ClinVar's aggregate classification.

Dr. Peter K. Rogan Lab, Western University
No classification provided (evidence only). Condition: Familial cancer of breast. Review status: no classification provided. Collection method: in vitro. Allele origin: not applicable. Functional consequence: retained intron. Not counted in ClinVar's aggregate classification.